The following is an entry in ClinVar:

NM_014915.3(ANKRD26):c.4060G>A (p.Val1354Ile)

Gene: ANKRD26 (ankyrin repeat domain containing 26; minus strand). Cytogenetic location: 10p12.1.
Variant type: single nucleotide variant.
Coding change: c.4060G>A on transcript NM_014915.3 (MANE Select); coding-DNA position 4060, G replaced by A.
Protein change: p.Val1354Ile; replaces valine 1354 with isoleucine.
Molecular consequence: missense variant.
Genome position (GRCh38, 1-based): chr10:27,024,472, C>T on the plus strand (G>A on the coding strand, the complement: ANKRD26 is on the minus strand). VCF-style: chr10-27024472-C-T. GRCh37 (hg19) VCF-style: chr10-27313401-C-T.
Other names: c.4057G>A, p.Val1353Ile (NM_001256053.2); short protein forms V1353I, V1354I.
Identifiers: ClinVar variation 3396015 (VCV003396015.1).

ClinVar aggregate classification (germline): Uncertain significance (1 of 4 stars; one submission).

Conditions:
Inborn genetic diseases. Identifiers: MedGen C0950123, MeSH D030342.

Submission:

Ambry Genetics
Classification: Uncertain significance for Inborn genetic diseases. Last evaluated: 2024-11-18. Review status: criteria provided, single submitter. Criteria: Ambry Variant Classification Scheme 2023. Collection method: clinical testing. Allele origin: germline.
Comment: The p.V1354I variant (also known as c.4060G>A), located in coding exon 28 of the ANKRD26 gene, results from a G to A substitution at nucleotide position 4060. The valine at codon 1354 is replaced by isoleucine, an amino acid with highly similar properties. This amino acid position is conserved. In addition, this alteration is predicted to be tolerated by in silico analysis. Based on the available evidence, the clinical significance of this variant remains unclear.